The following is an entry in ClinVar:

NM_198576.4(AGRN):c.4695G>C (p.Gln1565His)

Gene: AGRN (agrin; plus strand). Cytogenetic location: 1p36.33.
Variant type: single nucleotide variant.
Coding change: c.4695G>C on transcript NM_198576.4 (MANE Select); coding-DNA position 4695, G replaced by C.
Protein change: p.Gln1565His; replaces glutamine 1565 with histidine.
Molecular consequence: missense variant.
Genome position (GRCh38, 1-based): chr1:1,049,746, G>C. VCF-style: chr1-1049746-G-C. GRCh37 (hg19) VCF-style: chr1-985126-G-C.
Other names: p.Gln1565His; c.4695G>C, p.Gln1565His (NM_001305275.2); c.4380G>C, p.Gln1460His (NM_001364727.2); short protein forms Q1565H, Q1460H.
Identifiers: ClinVar variation 387480 (VCV000387480.19), dbSNP rs199876002, ClinGen allele CA509573.

ClinVar aggregate classification (germline): Benign/Likely benign. Review status: criteria provided, multiple submitters, no conflicts (2 of 4 stars). 5 submissions from 5 submitters: Benign (2); Likely benign (2). 1 of the submissions does not count toward it. Last evaluated 2026-02-03.

Conditions:
AGRN-related disorder. Also called: AGRN-related condition.
Congenital myasthenic syndrome 8. Also called: Myasthenic syndrome, congenital, 8, with pre- and postsynaptic defects; MYASTHENIC SYNDROME, CONGENITAL, DUE TO AGRIN DEFICIENCY. Identifiers: Orphanet 590, MedGen C3808739, MONDO:0014052, OMIM 615120.

Allele frequency attached by ClinVar (database versions not stated): 1000 Genomes Project 0.00419; 1000 Genomes Project 30x 0.00500; gnomAD 0.00743 and 0.00827; ESP Exome Variant Server 0.00811; TOPMed 0.00850; gnomAD exomes 0.00177; ExAC 0.00358.
gnomAD v4.1: 2,132 of 1,579,520 alleles (0.13%); highest among the groups gnomAD compares: African/African-American, 2.6%; 22 homozygotes.

Submissions (5):

Labcorp Genetics (formerly Invitae), Labcorp
Classification: Benign for Congenital myasthenic syndrome 8. Last evaluated: 2026-02-03. Review status: criteria provided, single submitter. Criteria: Invitae Variant Classification Sherloc (09022015). Collection method: clinical testing. Allele origin: germline.

Mayo Clinic Laboratories, Mayo Clinic
Classification: Benign. Last evaluated: 2025-06-10. Review status: criteria provided, single submitter. Criteria: ACMG Guidelines, 2015. Collection method: clinical testing. Allele origin: germline. Observed: 1 variant allele.
Comment: BS1, BS2, BP4

GeneDx
Classification: Likely benign. Last evaluated: 2021-06-22. Review status: criteria provided, single submitter. Criteria: GeneDx Variant Classification Process June 2021. Collection method: clinical testing. Allele origin: germline. Affected: yes.

Breakthrough Genomics
Classification: Likely benign. Review status: criteria provided, single submitter. Criteria: ACMG Guidelines, 2015. Collection method: not provided. Allele origin: germline. Inheritance: Autosomal recessive inheritance. Affected: yes.

PreventionGenetics, part of Exact Sciences
Classification: Benign for AGRN-related condition. Last evaluated: 2019-03-29. Review status: no assertion criteria provided. Collection method: clinical testing. Allele origin: germline. Not counted in ClinVar's aggregate classification.
Comment: This variant is classified as benign based on ACMG/AMP sequence variant interpretation guidelines (Richards et al. 2015 PMID: 25741868, with internal and published modifications).